The following is an entry in ClinVar:

ClinVar aggregate classification (germline): Uncertain significance. Review status: criteria provided, multiple submitters, no conflicts (2 of 4 stars). 6 submissions from 6 submitters: Uncertain significance (6). Last evaluated 2026-07-02.

Conditions:
RYR1-related disorder. Also called: RYR1-related disorders; RYR1-related condition. Identifiers: MedGen CN239331.
Inborn genetic diseases. Identifiers: MedGen C0950123, MeSH D030342.
Malignant hyperthermia, susceptibility to, 1 (MHS1). Also called: Anesthesia related hyperthermia; Malignant hyperpyrexia; Fulminating hyperpyrexia; Pharmacogenic myopathy; RYR1-Related Malignant Hyperthermia Susceptibility; Malignant hyperthermia suceptibility 1. Identifiers: Orphanet 423, MedGen C2930980, MONDO:0007783, OMIM 145600.

Allele frequency attached by ClinVar (database versions not stated): ExAC 0.00001; TOPMed 0.00002; ESP Exome Variant Server 0.00008.
gnomAD v4.1: 29 of 1,613,994 alleles (0.0018%); highest among the groups gnomAD compares: South Asian, 0.0055%; no homozygotes.

Submissions (6):

Ambry Genetics
Classification: Uncertain significance for Inborn genetic diseases. Last evaluated: 2026-07-02. Review status: criteria provided, single submitter. Criteria: Ambry Variant Classification Scheme 2023. Collection method: clinical testing. Allele origin: germline.
Comment: The p.P4761L variant (also known as c.14282C>T), located in coding exon 98 of the RYR1 gene, results from a C to T substitution at nucleotide position 14282. The proline at codon 4761 is replaced by leucine, an amino acid with similar properties. This amino acid position is conserved. In addition, the in silico prediction for this alteration is inconclusive. Based on the available evidence, the clinical significance of this variant remains unclear.

Labcorp Genetics (formerly Invitae), Labcorp
Classification: Uncertain significance for RYR1-related disorder. Last evaluated: 2025-07-27. Review status: criteria provided, single submitter. Criteria: Invitae Variant Classification Sherloc (09022015). Collection method: clinical testing. Allele origin: germline.
Comment: This sequence change replaces proline, which is neutral and non-polar, with leucine, which is neutral and non-polar, at codon 4761 of the RYR1 protein (p.Pro4761Leu). This variant is present in population databases (rs373919284, gnomAD 0.006%). This variant has not been reported in the literature in individuals affected with RYR1-related conditions. ClinVar contains an entry for this variant (Variation ID: 945486). Invitae Evidence Modeling of protein sequence and biophysical properties (such as structural, functional, and spatial information, amino acid conservation, physicochemical variation, residue mobility, and thermodynamic stability) indicates that this missense variant is not expected to disrupt RYR1 protein function with a negative predictive value of 80%. In summary, the available evidence is currently insufficient to determine the role of this variant in disease. Therefore, it has been classified as a Variant of Uncertain Significance.

Color Diagnostics, LLC DBA Color Health
Classification: Uncertain significance for Malignant hyperthermia, susceptibility to, 1. Last evaluated: 2024-04-03. Review status: criteria provided, single submitter. Criteria: ACMG Guidelines, 2015. Collection method: clinical testing. Allele origin: germline.
Comment: This missense variant replaces proline with leucine at codon 4761 of the RYR1 protein. Computational prediction suggests that this variant may not impact protein structure and function. To our knowledge, functional studies have not been reported for this variant. This variant has not been reported in individuals affected with RYR1-related disorders in the literature. This variant has been identified in 6/251022 chromosomes in the general population by the Genome Aggregation Database (gnomAD). The available evidence is insufficient to determine the role of this variant in disease conclusively. Therefore, this variant is classified as a Variant of Uncertain Significance.

Women's Health and Genetics/Laboratory Corporation of America, LabCorp
Classification: Uncertain significance. Last evaluated: 2023-10-13. Review status: criteria provided, single submitter. Criteria: LabCorp Variant Classification Summary - May 2015. Collection method: clinical testing. Allele origin: germline.
Comment: Variant summary: RYR1 c.14282C>T (p.Pro4761Leu) results in a non-conservative amino acid change in the encoded protein sequence. Four of five in-silico tools predict a damaging effect of the variant on protein function. The variant allele was found at a frequency of 2.4e-05 in 251022 control chromosomes. The available data on variant occurrences in the general population are insufficient to allow any conclusion about variant significance. To our knowledge, no occurrence of c.14282C>T in individuals affected with Myopathy, RYR1-Associated and no experimental evidence demonstrating its impact on protein function have been reported. Three submitters have cited clinical-significance assessments for this variant to ClinVar after 2014. All submitters classified the variant as uncertain significance. Based on the evidence outlined above, the variant was classified as uncertain significance.

CeGaT Center for Human Genetics Tuebingen
Classification: Uncertain significance. Last evaluated: 2022-04-01. Review status: criteria provided, single submitter. Criteria: CeGaT Center For Human Genetics Tuebingen Variant Classification Criteria Version 2. Collection method: clinical testing. Allele origin: germline. Affected: yes. Observed: 1 variant allele.

Revvity Omics, Revvity
Classification: Uncertain significance. Last evaluated: 2019-05-02. Review status: criteria provided, single submitter. Criteria: ACMG Guidelines, 2015. Collection method: clinical testing. Allele origin: germline.

NM_000540.3(RYR1):c.14282C>T (p.Pro4761Leu)

Gene: RYR1 (ryanodine receptor 1; plus strand). Cytogenetic location: 19q13.2.
Variant type: single nucleotide variant.
Coding change: c.14282C>T on transcript NM_000540.3 (MANE Select); coding-DNA position 14282, C replaced by T.
Protein change: p.Pro4761Leu; replaces proline 4761 with leucine.
Molecular consequence: missense variant.
Genome position (GRCh38, 1-based): chr19:38,578,027, C>T. VCF-style: chr19-38578027-C-T. GRCh37 (hg19) VCF-style: chr19-39068667-C-T.
Other names: c.14267C>T, p.Pro4756Leu (NM_001042723.2); short protein forms P4761L, P4756L.
Identifiers: ClinVar variation 945486 (VCV000945486.42), dbSNP rs373919284, ClinGen allele CA061034.